The following is an entry in ClinVar:

NM_004252.5(NHERF1):c.68G>T (p.Gly23Val)

Genes: NHERF1 (NHERF family PDZ scaffold protein 1; plus strand), SLC9A3R1-AS1 (SLC9A3R1 antisense RNA 1; minus strand). Cytogenetic location: 17q25.1.
Variant type: single nucleotide variant.
Coding change: c.68G>T on transcript NM_004252.5 (MANE Select); coding-DNA position 68, G replaced by T.
Protein change: p.Gly23Val; replaces glycine 23 with valine.
Molecular consequence: missense variant. On other transcripts: non-coding transcript variant (1).
Genome position (GRCh38, 1-based): chr17:74,748,914, G>T. VCF-style: chr17-74748914-G-T. GRCh37 (hg19) VCF-style: chr17-72745053-G-T.
Other names: short protein forms G23V.
Identifiers: ClinVar variation 3199450 (VCV003199450.3), dbSNP rs1231865609, ClinGen allele CA400935899.

ClinVar aggregate classification (germline): Uncertain significance. Review status: criteria provided, multiple submitters, no conflicts (2 of 4 stars). 2 submissions from 2 submitters: Uncertain significance (2). Last evaluated 2024-06-20.

Conditions:
Inborn genetic diseases. Identifiers: MedGen C0950123, MeSH D030342.

Allele frequency attached by ClinVar (database versions not stated): gnomAD 0.00002; TOPMed 0.00006.

Submissions (2):

Labcorp Genetics (formerly Invitae), Labcorp
Classification: Uncertain significance. Last evaluated: 2024-06-20. Review status: criteria provided, single submitter. Criteria: Invitae Variant Classification Sherloc (09022015). Collection method: clinical testing. Allele origin: germline.
Comment: This sequence change replaces glycine, which is neutral and non-polar, with valine, which is neutral and non-polar, at codon 23 of the SLC9A3R1 protein (p.Gly23Val). The frequency data for this variant in the population databases is considered unreliable, as metrics indicate poor data quality at this position in the gnomAD database. This variant has not been reported in the literature in individuals affected with SLC9A3R1-related conditions. An algorithm developed to predict the effect of missense changes on protein structure and function (PolyPhen-2) suggests that this variant is likely to be disruptive. In summary, the available evidence is currently insufficient to determine the role of this variant in disease. Therefore, it has been classified as a Variant of Uncertain Significance.

Ambry Genetics
Classification: Uncertain significance for Inborn genetic diseases. Last evaluated: 2024-02-02. Review status: criteria provided, single submitter. Criteria: Ambry Variant Classification Scheme 2023. Collection method: clinical testing. Allele origin: germline.